The following is an entry in ClinVar:

ClinVar aggregate classification (germline): Uncertain significance. Review status: criteria provided, multiple submitters, no conflicts (2 of 4 stars). 2 submissions from 2 submitters: Uncertain significance (2). Last evaluated 2025-11-03.

Conditions:
Progressive myoclonic epilepsy type 3. Also called: EPILEPSY, PROGRESSIVE MYOCLONIC, 3, WITH OR WITHOUT INTRACELLULAR INCLUSIONS; CEROID LIPOFUSCINOSIS, NEURONAL, 14; EPILEPSY, PROGRESSIVE MYOCLONIC, 3, WITHOUT INTRACELLULAR INCLUSIONS; KCTD7-Related Progressive Myoclonic Epilepsy. Identifiers: Orphanet 263516, MedGen C2673257, MONDO:0012721, OMIM 611726.

Allele frequency attached by ClinVar (database versions not stated): gnomAD exomes below 0.00001; TOPMed below 0.00001; ExAC 0.00001; gnomAD 0.00001.
gnomAD v4.1: 3 of 1,613,908 alleles (0.00019%); highest among the groups gnomAD compares: Non-Finnish European, 0.00025%; no homozygotes.

Submissions (2):

Labcorp Genetics (formerly Invitae), Labcorp
Classification: Uncertain significance for Progressive myoclonic epilepsy type 3. Last evaluated: 2025-11-03. Review status: criteria provided, single submitter. Criteria: Invitae Variant Classification Sherloc (09022015). Collection method: clinical testing. Allele origin: germline.
Comment: This sequence change replaces arginine, which is basic and polar, with tryptophan, which is neutral and slightly polar, at codon 169 of the KCTD7 protein (p.Arg169Trp). This variant is present in population databases (rs773227811, gnomAD 0.0009%). This variant has not been reported in the literature in individuals affected with KCTD7-related conditions. ClinVar contains an entry for this variant (Variation ID: 1900906). Invitae Evidence Modeling of protein sequence and biophysical properties (such as structural, functional, and spatial information, amino acid conservation, physicochemical variation, residue mobility, and thermodynamic stability) indicates that this missense variant is not expected to disrupt KCTD7 protein function with a negative predictive value of 80%. In summary, the available evidence is currently insufficient to determine the role of this variant in disease. Therefore, it has been classified as a Variant of Uncertain Significance.

Blueprint Genetics
Classification: Uncertain significance. Last evaluated: 2023-03-07. Review status: criteria provided, single submitter. Criteria: ACMG Guidelines, 2015. Collection method: clinical testing. Allele origin: germline.

NM_153033.5(KCTD7):c.505C>T (p.Arg169Trp)

Gene: KCTD7 (potassium channel tetramerization domain containing 7; plus strand). Cytogenetic location: 7q11.21.
Variant type: single nucleotide variant.
Coding change: c.505C>T on transcript NM_153033.5 (MANE Select); coding-DNA position 505, C replaced by T.
Protein change: p.Arg169Trp; replaces arginine 169 with tryptophan.
Molecular consequence: missense variant.
Genome position (GRCh38, 1-based): chr7:66,638,867, C>T. VCF-style: chr7-66638867-C-T. GRCh37 (hg19) VCF-style: chr7-66103854-C-T.
Other names: c.505C>T, p.Arg169Trp (NM_001167961.2); short protein forms R169W.
Identifiers: ClinVar variation 1900906 (VCV001900906.6), dbSNP rs773227811, ClinGen allele CA4278280.
Genomic context (GRCh38, chr7:66,638,867, plus strand): 5'-CTGTCCTGCCTCTTCACCCTAGTGATAGGTGTTGTGTTCATCCTTATAGACCACTTGGAG[C>T]GGATTGTGGAGATCGCCCGGCTGCGTGCGGTCCAGCGGAAGGCCCGCTTTGCCAAGCTCA-3'
Protein context (NP_694578.1, residues 159-179): LMPYYKDHLE[Arg169Trp]IVEIARLRAV